The following is an entry in ClinVar:

NM_002875.5(RAD51):c.421G>T (p.Ala141Ser)

Gene: RAD51 (RAD51 recombinase; plus strand). Cytogenetic location: 15q15.1.
Variant type: single nucleotide variant.
Coding change: c.421G>T on transcript NM_002875.5 (MANE Select); coding-DNA position 421, G replaced by T.
Protein change: p.Ala141Ser; replaces alanine 141 with serine.
Molecular consequence: missense variant.
Genome position (GRCh38, 1-based): chr15:40,709,102, G>T. VCF-style: chr15-40709102-G-T. GRCh37 (hg19) VCF-style: chr15-41001300-G-T.
Other names: c.424G>T, p.Ala142Ser (NM_001164269.2, NM_133487.4); c.421G>T, p.Ala141Ser (NM_001164270.2); short protein forms A142S, A141S.
Identifiers: ClinVar variation 1738824 (VCV001738824.3), dbSNP rs757033061, ClinGen allele CA7484002.

ClinVar aggregate classification (germline): Uncertain significance (1 of 4 stars; one submission).

Conditions:
Inborn genetic diseases. Identifiers: MedGen C0950123, MeSH D030342.

Allele frequency attached by ClinVar (database versions not stated): gnomAD exomes below 0.00001; TOPMed below 0.00001; ExAC 0.00001.
gnomAD v4.1: 2 of 1,613,426 alleles (0.00012%); highest among the groups gnomAD compares: East Asian, 0.0045%; no homozygotes.

Submission:

Ambry Genetics
Classification: Uncertain significance for Inborn genetic diseases. Last evaluated: 2024-05-31. Review status: criteria provided, single submitter. Criteria: Ambry Variant Classification Scheme 2023. Collection method: clinical testing. Allele origin: germline.
Comment: The p.A141S variant (also known as c.421G>T), located in coding exon 4 of the RAD51 gene, results from a G to T substitution at nucleotide position 421. The alanine at codon 141 is replaced by serine, an amino acid with similar properties. This amino acid position is conserved. In addition, the in silico prediction for this alteration is inconclusive. Since supporting evidence is limited at this time, the clinical significance of this alteration remains unclear.